The following is an entry in ClinVar:

ClinVar aggregate classification (germline): Conflicting classifications of pathogenicity. Review status: criteria provided, conflicting classifications (1 of 4 stars). 2 submissions from 2 submitters: Uncertain significance (1); Likely benign (1). Last evaluated 2026-03-29.

Conditions:
Inborn genetic diseases. Identifiers: MedGen C0950123, MeSH D030342.
Fanconi anemia (FA). Also called: Fanconi's anemia. Identifiers: Orphanet 84, MedGen C0015625, MeSH D005199, MONDO:0019391.

Submissions (2):

Ambry Genetics
Classification: Likely benign for Inborn genetic diseases. Last evaluated: 2026-03-29. Review status: criteria provided, single submitter. Criteria: Ambry Variant Classification Scheme 2023. Collection method: clinical testing. Allele origin: germline.

Labcorp Genetics (formerly Invitae), Labcorp
Classification: Uncertain significance for Fanconi anemia. Last evaluated: 2021-07-17. Review status: criteria provided, single submitter. Criteria: Invitae Variant Classification Sherloc (09022015). Collection method: clinical testing. Allele origin: germline.
Comment: This variant has not been reported in the literature in individuals affected with FANCM-related conditions. This sequence change replaces lysine with glutamic acid at codon 1343 of the FANCM protein (p.Lys1343Glu). The lysine residue is weakly conserved and there is a small physicochemical difference between lysine and glutamic acid. This variant is not present in population databases (ExAC no frequency). Algorithms developed to predict the effect of missense changes on protein structure and function output the following: SIFT: "Tolerated"; PolyPhen-2: "Benign"; Align-GVGD: "Class C0". The glutamic acid amino acid residue is found in multiple mammalian species, which suggests that this missense change does not adversely affect protein function. In summary, the available evidence is currently insufficient to determine the role of this variant in disease. Therefore, it has been classified as a Variant of Uncertain Significance.

NM_020937.4(FANCM):c.4027A>G (p.Lys1343Glu)

Gene: FANCM (FA complementation group M; plus strand). Cytogenetic location: 14q21.2.
Variant type: single nucleotide variant.
Coding change: c.4027A>G on transcript NM_020937.4 (MANE Select); coding-DNA position 4027, A replaced by G.
Protein change: p.Lys1343Glu; replaces lysine 1343 with glutamic acid.
Molecular consequence: missense variant.
Genome position (GRCh38, 1-based): chr14:45,176,781, A>G. VCF-style: chr14-45176781-A-G. GRCh37 (hg19) VCF-style: chr14-45645984-A-G.
Other names: c.4027A>G (NM_020937.2); c.3949A>G, p.Lys1317Glu (NM_001308133.2); short protein forms K1317E, K1343E.
Identifiers: ClinVar variation 1474390 (VCV001474390.9), dbSNP rs2139253150, ClinGen allele CA389603991.
Genomic context (GRCh38, chr14:45,176,781, plus strand): 5'-CCTGGTTATTCTCAGTTTTCTTTACCAGTGCAAAAAAAAGTTATGAGTACACCACTCTCT[A>G]AATCAAACACATTGAACTCATTTTCTAAGATAAGAAAGGAAATACTTAAGACACCAGATT-3'
Protein context (NP_065988.1, residues 1333-1353): QKKVMSTPLS[Lys1343Glu]SNTLNSFSKI